The following is an entry in ClinVar:

NM_007294.4(BRCA1):c.5558_5561dup (p.Ile1855fs)

Gene: BRCA1 (BRCA1 DNA repair associated; minus strand). Cytogenetic location: 17q21.31.
Variant type: Microsatellite.
Coding change: c.5558_5561dup on transcript NM_007294.4 (MANE Select); coding-DNA positions 5558 to 5561, 4 bases duplicated (ACCT; older notation c.5558_5561dupACCT).
Protein change: p.Ile1855fs; shifts the reading frame from isoleucine 1855.
Molecular consequence: frameshift variant. On other transcripts: 3 prime UTR variant (1), non-coding transcript variant (1).
Genome position (GRCh38, 1-based): chr17:43,045,709-43,045,712, AGGT duplicated on the plus strand (ACCT on the coding strand, the reverse complement: BRCA1 is on the minus strand); duplicating any 4 consecutive bases within chr17:43,045,709-43,045,716 gives the same sequence; the c. name uses the placement nearest the transcript's 3' end. VCF-style (leftmost placement, unchanged base first): chr17-43045708-C-CAGGT. GRCh37 (hg19) VCF-style: chr17-41197725-C-CAGGT.
Other names: c.2242_2245ACCT[3], p.Ile751Profs (NM_001407983.1, NM_001407984.1, NM_001407985.1 and 11 more transcripts); c.5410_5413ACCT[3], p.Ile1807Profs (NM_001407741.1, NM_001407742.1, NM_001407743.1 and 18 more transcripts); c.5413_5416ACCT[3], p.Ile1808Profs (NM_001407731.1, NM_001407692.1, NM_001407694.1 and 11 more transcripts); c.2239_2242ACCT[3], p.Ile750Profs (NM_001408404.1, NM_001408392.1, NM_001408396.1 and 7 more transcripts); c.2236_2239ACCT[3], p.Ile749Profs (NM_001408406.1, NM_001408407.1, NM_001408408.1); c.2233_2236ACCT[3], p.Ile748Profs (NM_001408409.1); c.2170_2173ACCT[3], p.Ile727Profs (NM_001408410.1); c.2164_2167ACCT[3], p.Ile725Profs (NM_001408414.1, NM_001408415.1, NM_001408416.1 and 2 more transcripts); and 78 more; short protein forms I1876fs, I1808fs, I1855fs, I751fs.
Identifiers: ClinVar variation 956423 (VCV000956423.11), dbSNP rs2050859456, ClinGen allele CA2260761035.
Genomic context (GRCh38, chr17:43,045,708, plus strand): 5'-CTGTGGCTCTGTACCTGTGGCTGGCTGCAGTCAGTAGTGGCTGTGGGGGATCTGGGGTAT[C>CAGGT]AGGTAGGTGTCCAGCTCCTGGCACTGGTAGAGTGCTACACTGTCCAACACCCACTCTCGG-3'

ClinVar aggregate classification (germline): Likely pathogenic (1 of 4 stars; one submission).

Conditions:
Hereditary breast ovarian cancer syndrome. Also called: Hereditary breast and ovarian cancer; Hereditary breast and/or ovarian cancer syndrome; Hereditary breast and ovarian cancer syndrome; Hereditary breast and ovarian cancer syndrome (HBOC); Breast and ovarian cancer; BRCA1- and BRCA2-Associated Hereditary Breast and Ovarian Cancer. Identifiers: Orphanet 145, MedGen C0677776, MeSH D061325, MONDO:0003582. Disease mechanism: loss of function.

Submission:

Labcorp Genetics (formerly Invitae), Labcorp
Classification: Likely pathogenic for Hereditary breast ovarian cancer syndrome. Last evaluated: 2019-09-13. Review status: criteria provided, single submitter. Criteria: Invitae Variant Classification Sherloc (09022015). Collection method: clinical testing. Allele origin: germline.
Comment: In summary, the currently available evidence indicates that the variant is pathogenic, but additional data are needed to prove that conclusively. Therefore, this variant has been classified as Likely Pathogenic. The frameshift caused by this variant affects the C-terminal end of the BRCA1 protein, partially including the BRCT domain (residues 1646-1859), which is important for DNA repair activity (PMID: 11573086, 14576433, 15133503, 25652403). While a protein structural change is likely expected, functional studies have not been done to test whether or not this variant affects protein function. This variant has not been reported in the literature in individuals with BRCA1-related conditions. This variant is not present in population databases (ExAC no frequency). This sequence change results in a premature translational stop signal in the BRCA1 gene (p.Ile1855Profs*26). While this is not anticipated to result in nonsense mediated decay, it is expected to disrupt the last 9 amino acids of the BRCA1 protein and extend the protein by an additional 25 amino acids.

Literature cited by the submitters: PubMed 11573086; PubMed 14576433; PubMed 15133503; PubMed 25652403.